The following is an entry in ClinVar:

ClinVar aggregate classification (germline): Uncertain significance. Review status: criteria provided, multiple submitters, no conflicts (2 of 4 stars). 2 submissions from 2 submitters: Uncertain significance (2). Last evaluated 2025-05-03.

Allele frequency attached by ClinVar (database versions not stated): gnomAD exomes below 0.00001; gnomAD 0.00001; TOPMed 0.00001.
gnomAD v4.1: 5 of 1,614,088 alleles (0.00031%); highest among the groups gnomAD compares: Non-Finnish European, 0.00042%; no homozygotes.

Submissions (2):

Ambry Genetics
Classification: Uncertain significance. Last evaluated: 2025-05-03. Review status: criteria provided, single submitter. Criteria: Ambry Variant Classification Scheme 2023. Collection method: clinical testing. Allele origin: germline.
Comment: The p.S156P variant (also known as c.466T>C), located in coding exon 5 of the A2ML1 gene, results from a T to C substitution at nucleotide position 466. The serine at codon 156 is replaced by proline, an amino acid with similar properties. This amino acid position is conserved. In addition, this alteration is predicted to be tolerated by in silico analysis. Based on the available evidence, the clinical significance of this variant remains unclear.

Labcorp Genetics (formerly Invitae), Labcorp
Classification: Uncertain significance. Last evaluated: 2022-02-19. Review status: criteria provided, single submitter. Criteria: Invitae Variant Classification Sherloc (09022015). Collection method: clinical testing. Allele origin: germline.
Comment: In summary, the available evidence is currently insufficient to determine the role of this variant in disease. Therefore, it has been classified as a Variant of Uncertain Significance. Algorithms developed to predict the effect of missense changes on protein structure and function output the following: SIFT: "Tolerated"; PolyPhen-2: "Benign"; Align-GVGD: "Class C0". The proline amino acid residue is found in multiple mammalian species, which suggests that this missense change does not adversely affect protein function. ClinVar contains an entry for this variant (Variation ID: 1014214). This variant has not been reported in the literature in individuals affected with A2ML1-related conditions. This variant is not present in population databases (gnomAD no frequency). This sequence change replaces serine, which is neutral and polar, with proline, which is neutral and non-polar, at codon 156 of the A2ML1 protein (p.Ser156Pro).

NM_144670.6(A2ML1):c.466T>C (p.Ser156Pro)

Gene: A2ML1 (alpha-2-macroglobulin like 1; plus strand). Cytogenetic location: 12p13.31.
Variant type: single nucleotide variant.
Coding change: c.466T>C on transcript NM_144670.6 (MANE Select); coding-DNA position 466, T replaced by C.
Protein change: p.Ser156Pro; replaces serine 156 with proline.
Molecular consequence: missense variant.
Genome position (GRCh38, 1-based): chr12:8,834,665, T>C. VCF-style: chr12-8834665-T-C. GRCh37 (hg19) VCF-style: chr12-8987261-T-C.
Other names: c.466T>C (NM_144670.3); short protein forms S156P.
Identifiers: ClinVar variation 1014214 (VCV001014214.9), dbSNP rs1943215133, ClinGen allele CA383820668.